The following is an entry in ClinVar:

NM_005816.5(CD96):c.1580G>A (p.Trp527Ter)

Gene: CD96 (CD96 molecule; plus strand). Cytogenetic location: 3q13.2.
Variant type: single nucleotide variant.
Coding change: c.1580G>A on transcript NM_005816.5 (MANE Select); coding-DNA position 1580, G replaced by A.
Protein change: p.Trp527Ter; replaces tryptophan 527 with a stop codon.
Molecular consequence: nonsense. On other transcripts: non-coding transcript variant (1).
Genome position (GRCh38, 1-based): chr3:111,647,645, G>A. VCF-style: chr3-111647645-G-A. GRCh37 (hg19) VCF-style: chr3-111366492-G-A.
Other names: c.1577G>A, p.Trp526Ter (NM_001410800.1); c.1628G>A, p.Trp543Ter (NM_198196.3); short protein forms W526*, W527*, W543*.
Identifiers: ClinVar variation 3608090 (VCV003608090.2).
Genomic context (GRCh38, chr3:111,647,645, plus strand): 5'-TGATTGTAGCAGCTTTACTCTTTTGCTGCATGATATTGTTTGGTCTTGGAGTGAGAAAAT[G>A]GTGTCAGTACCAAAAAGAAATGTGAGTATAATACTAACATATGTAGGAACAGATTAATTT-3'

ClinVar aggregate classification (germline): Uncertain significance (1 of 4 stars; one submission).

gnomAD v4.1: 16 of 1,609,902 alleles (0.00099%); highest among the groups gnomAD compares: Middle Eastern, 0.016%; no homozygotes.

Submission:

Labcorp Genetics (formerly Invitae), Labcorp
Classification: Uncertain significance. Last evaluated: 2024-03-01. Review status: criteria provided, single submitter. Criteria: Invitae Variant Classification Sherloc (09022015). Collection method: clinical testing. Allele origin: germline.
Comment: This sequence change creates a premature translational stop signal (p.Trp543*) in the CD96 gene. While this is not anticipated to result in nonsense mediated decay, it is expected to disrupt the last 43 amino acid(s) of the CD96 protein. This variant is present in population databases (rs747580466, gnomAD 0.002%). This variant has not been reported in the literature in individuals affected with CD96-related conditions. In summary, the available evidence is currently insufficient to determine the role of this variant in disease. Therefore, it has been classified as a Variant of Uncertain Significance.